The following is an entry in ClinVar:

ClinVar aggregate classification (germline): Conflicting classifications of pathogenicity. Review status: criteria provided, conflicting classifications (1 of 4 stars). 3 submissions from 3 submitters: Uncertain significance (2); Likely benign (1). Last evaluated 2026-01-13.

Conditions:
Spinocerebellar ataxia type 19/22 (SCA19). Also called: SPINOCEREBELLAR ATAXIA 19; SPINOCEREBELLAR ATAXIA 22. Identifiers: Orphanet 98772, MedGen C1846367, MONDO:0011819, OMIM 607346.
Cardiovascular phenotype. Identifiers: MedGen CN230736.

Allele frequency attached by ClinVar (database versions not stated): ExAC 0.00001; gnomAD exomes 0.00002; gnomAD 0.00004; TOPMed 0.00009.
gnomAD v4.1: 15 of 1,613,610 alleles (0.00093%); highest among the groups gnomAD compares: Admixed American, 0.02%; no homozygotes.

Submissions (3):

Labcorp Genetics (formerly Invitae), Labcorp
Classification: Likely benign for Spinocerebellar ataxia type 19/22. Last evaluated: 2026-01-13. Review status: criteria provided, single submitter. Criteria: Invitae Variant Classification Sherloc (09022015). Collection method: clinical testing. Allele origin: germline.

Ambry Genetics
Classification: Uncertain significance for Cardiovascular phenotype. Last evaluated: 2025-12-19. Review status: criteria provided, single submitter. Criteria: Ambry Variant Classification Scheme 2023. Collection method: clinical testing. Allele origin: germline.
Comment: The p.T209M variant (also known as c.626C>T), located in coding exon 1 of the KCND3 gene, results from a C to T substitution at nucleotide position 626. The threonine at codon 209 is replaced by methionine, an amino acid with some similar properties. This amino acid position is not well conserved in available vertebrate species. In addition, the in silico prediction for this alteration is inconclusive. Since supporting evidence is limited at this time, the clinical significance of this alteration remains unclear.

Revvity Omics, Revvity
Classification: Uncertain significance. Last evaluated: 2020-11-25. Review status: criteria provided, single submitter. Criteria: ACMG Guidelines, 2015. Collection method: clinical testing. Allele origin: germline.

NM_001378969.1(KCND3):c.626C>T (p.Thr209Met)

Gene: KCND3 (potassium voltage-gated channel subfamily D member 3; minus strand). Cytogenetic location: 1p13.2.
Variant type: single nucleotide variant.
Coding change: c.626C>T on transcript NM_001378969.1 (MANE Select); coding-DNA position 626, C replaced by T.
Protein change: p.Thr209Met; replaces threonine 209 with methionine.
Molecular consequence: missense variant.
Genome position (GRCh38, 1-based): chr1:111,982,101, G>A on the plus strand (C>T on the coding strand, the complement: KCND3 is on the minus strand). VCF-style: chr1-111982101-G-A. GRCh37 (hg19) VCF-style: chr1-112524723-G-A.
Other names: c.626C>T, p.Thr209Met (NM_001378970.1, NM_004980.5, NM_172198.3); short protein forms T209M.
Identifiers: ClinVar variation 519385 (VCV000519385.11), dbSNP rs771878661, ClinGen allele CA1007580.
Genomic context (GRCh38, chr1:111,982,101, plus strand): 5'-AGGCAGAAGAAGGCCACCGAGTAGCGCTCCCCGCACGGCAGCTCCTTGCTGCCCGGGACC[G>A]TGCCGCACGGCACCGTCTCCACCACGTTGGTGATGACCGAGACAGCGATGAAGAAGCCAG-3'
Protein context (NP_001365898.1, residues 199-219): TNVVETVPCG[Thr209Met]VPGSKELPCG